The following is an entry in ClinVar:

NM_003835.4(RGS9):c.1883G>C (p.Arg628Thr)

Gene: RGS9 (regulator of G protein signaling 9; plus strand). Cytogenetic location: 17q24.1.
Variant type: single nucleotide variant.
Coding change: c.1883G>C on transcript NM_003835.4 (MANE Select); coding-DNA position 1883, G replaced by C.
Protein change: p.Arg628Thr; replaces arginine 628 with threonine.
Molecular consequence: missense variant.
Genome position (GRCh38, 1-based): chr17:65,225,477, G>C. VCF-style: chr17-65225477-G-C. GRCh37 (hg19) VCF-style: chr17-63221595-G-C.
Other names: c.1874G>C, p.Arg625Thr (NM_001081955.3); short protein forms R628T, R625T.
Identifiers: ClinVar variation 965722 (VCV000965722.10), dbSNP rs895718170, ClinGen allele CA400674161.

ClinVar aggregate classification (germline): Uncertain significance (1 of 4 stars; one submission).

Allele frequency attached by ClinVar (database versions not stated): gnomAD exomes below 0.00001.
gnomAD v4.1: 2 of 1,602,488 alleles (0.00012%); highest among the groups gnomAD compares: Non-Finnish European, 0.00017%; no homozygotes.

Submission:

Labcorp Genetics (formerly Invitae), Labcorp
Classification: Uncertain significance. Last evaluated: 2022-10-23. Review status: criteria provided, single submitter. Criteria: Invitae Variant Classification Sherloc (09022015). Collection method: clinical testing. Allele origin: germline.
Comment: This sequence change replaces arginine, which is basic and polar, with threonine, which is neutral and polar, at codon 628 of the RGS9 protein (p.Arg628Thr). This variant is present in population databases (no rsID available, gnomAD 0.0009%). This variant has not been reported in the literature in individuals affected with RGS9-related conditions. ClinVar contains an entry for this variant (Variation ID: 965722). Algorithms developed to predict the effect of missense changes on protein structure and function (SIFT, PolyPhen-2, Align-GVGD) all suggest that this variant is likely to be tolerated. In summary, the available evidence is currently insufficient to determine the role of this variant in disease. Therefore, it has been classified as a Variant of Uncertain Significance.